The following is an entry in ClinVar:

ClinVar aggregate classification (germline): Uncertain significance (1 of 4 stars; one submission).

Conditions:
Thrombophilia due to protein C deficiency, autosomal dominant. Also called: PROC DEFICIENCY, AUTOSOMAL DOMINANT; PROTEIN C DEFICIENCY, AUTOSOMAL DOMINANT. Identifiers: Orphanet 745, MedGen C2674321, MONDO:0008316, OMIM 176860. Disease mechanism: loss of function.

Allele frequency attached by ClinVar (database versions not stated): ExAC 0.00001; gnomAD exomes 0.00002; gnomAD 0.00003; TOPMed 0.00003; ESP Exome Variant Server 0.00008.

Submission:

ISTH-SSC Genomics in Thrombosis and Hemostasis, KU Leuven, Center for Molecular and Vascular Biology
Classification: Uncertain significance for Thrombophilia due to protein C deficiency, autosomal dominant. Review status: criteria provided, single submitter. Criteria: ACMG Guidelines, 2015. Collection method: clinical testing. Allele origin: germline. Affected: yes. Observed: 1 heterozygote.
Comment: Submitted to the GoldVariant database by Kathleen Freson, Center for Molecular and Vascular Biology

NM_000312.4(PROC):c.1222G>A (p.Ala408Thr)

Gene: PROC (protein C, inactivator of coagulation factors Va and VIIIa; plus strand). Cytogenetic location: 2q14.3.
Variant type: single nucleotide variant.
Coding change: c.1222G>A on transcript NM_000312.4 (MANE Select); coding-DNA position 1222, G replaced by A.
Protein change: p.Ala408Thr; replaces alanine 408 with threonine.
Molecular consequence: missense variant.
Genome position (GRCh38, 1-based): chr2:127,428,782, G>A. VCF-style: chr2-127428782-G-A. GRCh37 (hg19) VCF-style: chr2-128186358-G-A.
Other names: c.1405G>A, p.Ala469Thr (NM_001375602.1); c.1387G>A, p.Ala463Thr (NM_001375603.1); c.1285G>A, p.Ala429Thr (NM_001375604.1); c.1324G>A, p.Ala442Thr (NM_001375605.1); c.1390G>A, p.Ala464Thr (NM_001375606.1); c.1408G>A, p.Ala470Thr (NM_001375607.1); c.1165G>A, p.Ala389Thr (NM_001375608.1); c.1198G>A, p.Ala400Thr (NM_001375609.1); and 2 more; short protein forms A389T, A400T, A406T, A408T, A429T, A442T, A463T, A464T.
Identifiers: ClinVar variation 2572123 (VCV002572123.1), dbSNP rs374259918, ClinGen allele CA1859550.